The following is an entry in ClinVar:

ClinVar aggregate classification (germline): Uncertain significance (1 of 4 stars; one submission).

gnomAD v4.1: 2 of 1,540,854 alleles (0.00013%); highest among the groups gnomAD compares: Admixed American, 0.0017%; no homozygotes.

Submission:

Labcorp Genetics (formerly Invitae), Labcorp
Classification: Uncertain significance. Last evaluated: 2021-11-26. Review status: criteria provided, single submitter. Criteria: Invitae Variant Classification Sherloc (09022015). Collection method: clinical testing. Allele origin: germline.
Comment: This sequence change replaces asparagine, which is neutral and polar, with serine, which is neutral and polar, at codon 382 of the EYS protein (p.Asn382Ser). The frequency data for this variant in the population databases is considered unreliable, as metrics indicate poor data quality at this position in the gnomAD database. This variant has not been reported in the literature in individuals affected with EYS-related conditions. Algorithms developed to predict the effect of missense changes on protein structure and function output the following: SIFT: "Tolerated"; PolyPhen-2: "Benign"; Align-GVGD: "Class C0". The serine amino acid residue is found in multiple mammalian species, which suggests that this missense change does not adversely affect protein function. In summary, the available evidence is currently insufficient to determine the role of this variant in disease. Therefore, it has been classified as a Variant of Uncertain Significance.

NM_001142800.2(EYS):c.1145A>G (p.Asn382Ser)

Gene: EYS (eyes shut homolog; minus strand). Cytogenetic location: 6q12.
Variant type: single nucleotide variant.
Coding change: c.1145A>G on transcript NM_001142800.2 (MANE Select); coding-DNA position 1145, A replaced by G.
Protein change: p.Asn382Ser; replaces asparagine 382 with serine.
Molecular consequence: missense variant.
Genome position (GRCh38, 1-based): chr6:65,402,517, T>C on the plus strand (A>G on the coding strand, the complement: EYS is on the minus strand). VCF-style: chr6-65402517-T-C. GRCh37 (hg19) VCF-style: chr6-66112410-T-C.
Other names: c.1145A>G, p.Asn382Ser (NM_001142801.2, NM_001292009.2, NM_198283.2); short protein forms N382S.
Identifiers: ClinVar variation 1509169 (VCV001509169.3), dbSNP rs144935927, ClinGen allele CA3877858.
Genomic context (GRCh38, chr6:65,402,517, plus strand): 5'-TAAACAGAAAATTAATTATACCTGCAAGGATAATCTTTCTCACATTTCTTACATGTAGCA[T>C]TATTCCTCAAAGGAAATGACTCACATGATGTTTGAATGCTCTTACAAAGCAAATCTGTAA-3'
Protein context (NP_001136272.1, residues 372-392): TSCESFPLRN[Asn382Ser]ATCKKCEKDY